The following is an entry in ClinVar:

NM_000135.4(FANCA):c.2303T>C (p.Leu768Pro)

Gene: FANCA (FA complementation group A; minus strand). Cytogenetic location: 16q24.3.
Variant type: single nucleotide variant.
Coding change: c.2303T>C on transcript NM_000135.4 (MANE Select); coding-DNA position 2303, T replaced by C.
Protein change: p.Leu768Pro; replaces leucine 768 with proline.
Molecular consequence: missense variant.
Genome position (GRCh38, 1-based): chr16:89,770,179, A>G on the plus strand (T>C on the coding strand, the complement: FANCA is on the minus strand). VCF-style: chr16-89770179-A-G. GRCh37 (hg19) VCF-style: chr16-89836587-A-G.
Other names: c.2303T>C, p.Leu768Pro (NM_001286167.3); c.2303T>C (NM_000135.3, LRG_495t1); short protein forms L768P.
Identifiers: ClinVar variation 556171 (VCV000556171.13), dbSNP rs1490352414, ClinGen allele CA397444996.

ClinVar aggregate classification (germline): Pathogenic/Likely pathogenic. Review status: criteria provided, multiple submitters, no conflicts (2 of 4 stars). 6 submissions from 6 submitters: Pathogenic (1); Likely pathogenic (3). 2 of the submissions do not count toward it. Last evaluated 2025-12-21.

Conditions:
Fanconi anemia (FA). Also called: Fanconi's anemia. Identifiers: Orphanet 84, MedGen C0015625, MeSH D005199, MONDO:0019391.
Fanconi anemia complementation group A (FANCA). Also called: Fanconi anemia, group A; FANCA-Related Fanconi Anemia. Identifiers: Orphanet 84, MedGen C3469521, MONDO:0009215, OMIM 227650.

Allele frequency attached by ClinVar (database versions not stated): TOPMed below 0.00001; gnomAD exomes 0.00001.
gnomAD v4.1: 17 of 1,591,582 alleles (0.0011%); highest among the groups gnomAD compares: Non-Finnish European, 0.0014%; no homozygotes.

Submissions (6):

Labcorp Genetics (formerly Invitae), Labcorp
Classification: Likely pathogenic for Fanconi anemia. Last evaluated: 2025-12-21. Review status: criteria provided, single submitter. Criteria: Invitae Variant Classification Sherloc (09022015). Collection method: clinical testing. Allele origin: germline.
Comment: This sequence change replaces leucine, which is neutral and non-polar, with proline, which is neutral and non-polar, at codon 768 of the FANCA protein (p.Leu768Pro). The frequency data for this variant in the population databases is considered unreliable, as metrics indicate poor data quality at this position in the gnomAD database. This missense change has been observed in individuals with Fanconi anemia and breast cancer (PMID: 15643609, 19367192, 21273304, 22778927, 32235514; internal data). ClinVar contains an entry for this variant (Variation ID: 556171). Invitae Evidence Modeling of protein sequence and biophysical properties (such as structural, functional, and spatial information, amino acid conservation, physicochemical variation, residue mobility, and thermodynamic stability) indicates that this missense variant is expected to disrupt FANCA protein function with a positive predictive value of 95%. In summary, the currently available evidence indicates that the variant is pathogenic, but additional data are needed to prove that conclusively. Therefore, this variant has been classified as Likely Pathogenic.

Natera, Inc.
Classification: Likely pathogenic for Fanconi anemia. Last evaluated: 2025-04-24. Review status: criteria provided, single submitter. Criteria: Natera Variant Classification Schema (03/2026). Collection method: clinical testing. Allele origin: germline.
Comment: The c.2303T>C variant in FANCA is a missense variant predicted to cause substitution of leucine to proline at amino acid 768. This variant is rare in the general population with a frequency below the threshold expected for the associated phenotype(s). This variant has been observed in one or more individuals affected with the associated recessive disease, as either homozygous or compound heterozygous with a second variant (PMID: 22778927, 21273304, 33718801, 19367192). Computational prediction algorithms indicate this variant is likely to affect gene or protein function. Given the available evidence, this variant is classified as Likely Pathogenic.

Baylor Genetics
Classification: Likely pathogenic for Fanconi anemia complementation group A. Last evaluated: 2024-01-24. Review status: criteria provided, single submitter. Criteria: ACMG Guidelines, 2015. Collection method: clinical testing. Allele origin: unknown.

Women's Health and Genetics/Laboratory Corporation of America, LabCorp
Classification: Pathogenic for Fanconi anemia. Last evaluated: 2021-11-04. Review status: criteria provided, single submitter. Criteria: LabCorp Variant Classification Summary - May 2015. Collection method: clinical testing. Allele origin: germline.
Comment: Variant summary: FANCA c.2303T>C (p.Leu768Pro) results in a non-conservative amino acid change in the encoded protein sequence. Five of five in-silico tools predict a damaging effect of the variant on protein function. The variant allele was found at a frequency of 9.5e-06 in 210674 control chromosomes. c.2303T>C has been reported in the literature as homozygous and compound heterozygous genotypes in multiple individuals affected with Fanconi Anemia (example, Levran_2005, Moghrabi_2009, Castella_2011, Gille_2012, Galvez_2021). These data indicate that the variant is very likely to be associated with disease. To our knowledge, no experimental evidence demonstrating an impact on protein function has been reported. One clinical diagnostic laboratory and a database (LOVD) have submitted clinical-significance assessments for this variant to ClinVar after 2014 without evidence for independent evaluation. All submitters classified the variant as pathogenic/likely pathogenic. Based on the evidence outlined above, the variant was classified as pathogenic.

Leiden Open Variation Database
Classification: Pathogenic for Fanconi anemia complementation group A. Last evaluated: 2020-02-28. Review status: no assertion criteria provided. Collection method: curation. Allele origin: germline. Affected: yes. Not counted in ClinVar's aggregate classification.
Comment: Curator: Arleen D. Auerbach. Submitters to LOVD: Arleen D. Auerbach, Johan de Winter.

Counsyl
Classification: Likely pathogenic for Fanconi anemia complementation group A. Last evaluated: 2018-01-16. Review status: no assertion criteria provided. Collection method: clinical testing. Allele origin: unknown. Not counted in ClinVar's aggregate classification.

Literature cited by the submitters: PubMed 15643609 (cited by 3 submitters); PubMed 19367192 (cited by 4 submitters); PubMed 21273304 (cited by 4 submitters); PubMed 22778927 (cited by 5 submitters); PubMed 32235514 (cited by Labcorp Genetics (formerly Invitae), Labcorp); PubMed 33718801 (cited by Natera, Inc. and Women's Health and Genetics/Laboratory Corporation of America, LabCorp).